The following is an entry in ClinVar:

NM_002485.5(NBN):c.1162A>G (p.Lys388Glu)

Gene: NBN (nibrin; minus strand). Cytogenetic location: 8q21.3.
Variant type: single nucleotide variant.
Coding change: c.1162A>G on transcript NM_002485.5 (MANE Select); coding-DNA position 1162, A replaced by G.
Protein change: p.Lys388Glu; replaces lysine 388 with glutamic acid.
Molecular consequence: missense variant.
Genome position (GRCh38, 1-based): chr8:89,955,518, T>C on the plus strand (A>G on the coding strand, the complement: NBN is on the minus strand). VCF-style: chr8-89955518-T-C. GRCh37 (hg19) VCF-style: chr8-90967746-T-C.
Other names: c.916A>G, p.Lys306Glu (NM_001024688.3); short protein forms K388E, K306E.
Identifiers: ClinVar variation 490043 (VCV000490043.17), dbSNP rs1252203605, ClinGen allele CA371656460.

ClinVar aggregate classification (germline): Uncertain significance. Review status: criteria provided, multiple submitters, no conflicts (2 of 4 stars). 2 submissions from 2 submitters: Uncertain significance (2). Last evaluated 2021-11-07.

Conditions:
Microcephaly, normal intelligence and immunodeficiency (NBS). Also called: BERLIN BREAKAGE SYNDROME; Ataxia telangiectasia variant V1; IMMUNODEFICIENCY, MICROCEPHALY, AND CHROMOSOMAL INSTABILITY; SEEMANOVA SYNDROME II; Immunodeficiency, microcephaly with normal intelligence; Nijmegen breakage syndrome. Identifiers: Orphanet 647, MedGen C0398791, MONDO:0009623, OMIM 251260.

Submissions (2):

Genome-Nilou Lab
Classification: Uncertain significance for Microcephaly, normal intelligence and immunodeficiency. Last evaluated: 2021-11-07. Review status: criteria provided, single submitter. Criteria: ACMG Guidelines, 2015. Collection method: clinical testing. Allele origin: germline. Affected: no.

Labcorp Genetics (formerly Invitae), Labcorp
Classification: Uncertain significance for Microcephaly, normal intelligence and immunodeficiency. Last evaluated: 2019-09-10. Review status: criteria provided, single submitter. Criteria: Invitae Variant Classification Sherloc (09022015). Collection method: clinical testing. Allele origin: germline.
Comment: In summary, the available evidence is currently insufficient to determine the role of this variant in disease. Therefore, it has been classified as a Variant of Uncertain Significance. Algorithms developed to predict the effect of missense changes on protein structure and function (SIFT, PolyPhen-2, Align-GVGD) all suggest that this variant is likely to be tolerated, but these predictions have not been confirmed by published functional studies and their clinical significance is uncertain. This variant has not been reported in the literature in individuals with NBN-related disease. ClinVar contains an entry for this variant (Variation ID: 490043). This variant is not present in population databases (ExAC no frequency). This sequence change replaces lysine with glutamic acid at codon 388 of the NBN protein (p.Lys388Glu). The lysine residue is weakly conserved and there is a small physicochemical difference between lysine and glutamic acid.